The following is an entry in ClinVar:

NM_014989.7(RIMS1):c.2894C>T (p.Pro965Leu)

Gene: RIMS1 (regulating synaptic membrane exocytosis 1; plus strand). Cytogenetic location: 6q13.
Variant type: single nucleotide variant.
Coding change: c.2894C>T on transcript NM_014989.7 (MANE Select); coding-DNA position 2894, C replaced by T.
Protein change: p.Pro965Leu; replaces proline 965 with leucine.
Molecular consequence: missense variant.
Genome position (GRCh38, 1-based): chr6:72,258,248, C>T. VCF-style: chr6-72258248-C-T. GRCh37 (hg19) VCF-style: chr6-72967951-C-T.
Other names: c.1313C>T, p.Pro438Leu (NM_001168407.2, NM_001350415.2, NM_001350418.2 and 19 more transcripts); c.1316C>T, p.Pro439Leu (NM_001168408.2, NM_001350414.2, NM_001350416.2 and 15 more transcripts); c.1073C>T, p.Pro358Leu (NM_001168409.2, NM_001350464.2, NM_001350465.2 and 3 more transcripts); c.1271C>T, p.Pro424Leu (NM_001168410.2, NM_001350470.2, NM_001350473.2 and 1 more transcripts); c.1244C>T, p.Pro415Leu (NM_001350421.2, NM_001350471.2, NM_001350430.2 and 2 more transcripts); c.1247C>T, p.Pro416Leu (NM_001350424.2, NM_001350428.2, NM_001350462.2 and 1 more transcripts); c.1070C>T, p.Pro357Leu (NM_001350461.2, NM_001350463.2, NM_001350468.2); c.1268C>T, p.Pro423Leu (NM_001350472.2); short protein forms P965L, P424L, P438L, P439L, P357L, P423L, P358L, P415L.
Identifiers: ClinVar variation 287848 (VCV000287848.21), dbSNP rs752875047, ClinGen allele CA3886061.
Genomic context (GRCh38, chr6:72,258,248, plus strand): 5'-GAACAACTCATCACCGCTCACGTTCAGTATCTCCTCATCGCGGCAATGATCAGGGAAAGC[C>T]GCGTTCACGTTTACCAAATGTGCCATTACAGAGGTAGGCTTTGAAATGGGCTCAGTGTCC-3'
Protein context (NP_055804.2, residues 955-975): SPHRGNDQGK[Pro965Leu]RSRLPNVPLQ

ClinVar aggregate classification (germline): Conflicting classifications of pathogenicity. Review status: criteria provided, conflicting classifications (1 of 4 stars). 5 submissions from 5 submitters: Uncertain significance (3); Likely benign (1). 1 of the submissions does not count toward it. Last evaluated 2025-12-01.

Conditions:
Retinal dystrophy. Also called: Inherited retinal dystrophy. Identifiers: Orphanet 71862, MedGen C0854723, MeSH D058499, MONDO:0019118, HP:0000556.
Cone-rod dystrophy 7 (CORD7). Identifiers: Orphanet 1872, MedGen C1863634, MONDO:0011355, OMIM 603649.

Allele frequency attached by ClinVar (database versions not stated): ExAC 0.00003; gnomAD exomes 0.00006; TOPMed 0.00008; gnomAD 0.00009 and 0.00010.
gnomAD v4.1: 243 of 1,613,190 alleles (0.015%); highest among the groups gnomAD compares: Non-Finnish European, 0.019%; no homozygotes.

Submissions (5):

CeGaT Center for Human Genetics Tuebingen
Classification: Uncertain significance. Last evaluated: 2025-12-01. Review status: criteria provided, single submitter. Criteria: CeGaT Center For Human Genetics Tuebingen Variant Classification Criteria Version 2. Collection method: clinical testing. Allele origin: germline. Affected: yes. Observed: 1 variant allele.

Labcorp Genetics (formerly Invitae), Labcorp
Classification: Uncertain significance. Last evaluated: 2024-01-04. Review status: criteria provided, single submitter. Criteria: Invitae Variant Classification Sherloc (09022015). Collection method: clinical testing. Allele origin: germline.
Comment: This sequence change replaces proline, which is neutral and non-polar, with leucine, which is neutral and non-polar, at codon 965 of the RIMS1 protein (p.Pro965Leu). This variant is present in population databases (rs752875047, gnomAD 0.01%). This variant has not been reported in the literature in individuals affected with RIMS1-related conditions. ClinVar contains an entry for this variant (Variation ID: 287848). An algorithm developed to predict the effect of missense changes on protein structure and function (PolyPhen-2) suggests that this variant is likely to be tolerated. In summary, the available evidence is currently insufficient to determine the role of this variant in disease. Therefore, it has been classified as a Variant of Uncertain Significance.

Illumina Laboratory Services, Illumina
Classification: Likely benign for Cone-rod dystrophy 7. Last evaluated: 2018-01-13. Review status: criteria provided, single submitter. Criteria: ICSL Variant Classification Criteria 13 December 2019. Collection method: clinical testing. Allele origin: germline.
Comment: This variant was observed in the ICSL laboratory as part of a predisposition screen in an ostensibly healthy population. It had not been previously curated by ICSL or reported in the Human Gene Mutation Database (HGMD: prior to June 1st, 2018), and was therefore a candidate for classification through an automated scoring system. Utilizing variant allele frequency, disease prevalence and penetrance estimates, and inheritance mode, an automated score was calculated to assess if this variant is too frequent to cause the disease. Based on the score and internal cut-off values, a variant classified as likely benign is not then subjected to further curation. The score for this variant resulted in a classification of likely benign for this disease.

Eurofins Ntd Llc (ga)
Classification: Uncertain significance. Last evaluated: 2016-06-07. Review status: criteria provided, single submitter. Criteria: EGL Classification Definitions 2015. Collection method: clinical testing. Allele origin: germline. Observed: 1 variant allele, 1 heterozygote.

Institute of Human Genetics, Univ. Regensburg, Univ. Regensburg
Classification: Uncertain significance for Retinal dystrophy. Last evaluated: 2020-01-01. Review status: no assertion criteria provided. Criteria: ACMG Guidelines, 2015. Collection method: clinical testing. Allele origin: germline. Affected: yes. Not counted in ClinVar's aggregate classification.